The following is an entry in ClinVar:

ClinVar aggregate classification (germline): Uncertain significance. Review status: criteria provided, single submitter (1 of 4 stars). 2 submissions from 2 submitters: Uncertain significance (1). 1 of the submissions does not count toward it. Last evaluated 2022-10-22.

Conditions:
Retinal dystrophy. Also called: Inherited retinal dystrophy. Identifiers: Orphanet 71862, MedGen C0854723, MeSH D058499, MONDO:0019118, HP:0000556.
Short-rib thoracic dysplasia 11 with or without polydactyly (SRTD11). Also called: SHORT-RIB THORACIC DYSPLASIA 11 WITHOUT POLYDACTYLY. Identifiers: Orphanet 474, Orphanet 93271, MedGen C3810200, MONDO:0014287, OMIM 615633.

Submissions (2):

Labcorp Genetics (formerly Invitae), Labcorp
Classification: Uncertain significance for Short-rib thoracic dysplasia 11 with or without polydactyly. Last evaluated: 2022-10-22. Review status: criteria provided, single submitter. Criteria: Invitae Variant Classification Sherloc (09022015). Collection method: clinical testing. Allele origin: germline.
Comment: This sequence change replaces aspartic acid, which is acidic and polar, with asparagine, which is neutral and polar, at codon 104 of the WDR34 protein (p.Asp104Asn). Information on the frequency of this variant in the gnomAD database is not available, as this variant may be reported differently in the database. This variant has not been reported in the literature in individuals affected with WDR34-related conditions. ClinVar contains an entry for this variant (Variation ID: 1026846). Experimental studies and prediction algorithms are not available or were not evaluated, and the functional significance of this variant is currently unknown. In summary, the available evidence is currently insufficient to determine the role of this variant in disease. Therefore, it has been classified as a Variant of Uncertain Significance.

Institute of Human Genetics, Univ. Regensburg, Univ. Regensburg
Classification: Uncertain significance for Retinal dystrophy. Last evaluated: 2023-01-01. Review status: no assertion criteria provided. Criteria: ACMG Guidelines, 2015. Collection method: clinical testing. Allele origin: germline. Affected: yes. Not counted in ClinVar's aggregate classification.

NM_052844.4(DYNC2I2):c.309_310inv (p.Asp104Asn)

Gene: DYNC2I2 (dynein 2 intermediate chain 2; minus strand). Cytogenetic location: 9q34.11.
Variant type: Inversion.
Coding change: c.309_310inv on transcript NM_052844.4 (MANE Select).
Protein change: p.Asp104Asn; replaces aspartic acid 104 with asparagine.
Molecular consequence: missense variant.
Genome position: GRCh38 VCF-style: chr9-128640816-CA-TG. GRCh37 (hg19) VCF-style: chr9-131403095-CA-TG.
Other names: c.309_310delinsCA (NM_052844.4); short protein forms D104N.
Identifiers: ClinVar variation 1026846 (VCV001026846.5), ClinGen allele CA2499219666.